The following is an entry in ClinVar:

ClinVar aggregate classification (germline): Pathogenic (1 of 4 stars; one submission).

Conditions:
Multiple endocrine neoplasia, type 1 (MEN1). Also called: MEN I; WERMER SYNDROME; Endocrine adenomatosis multiple; MEN 1; MEA I. Identifiers: Orphanet 652, MedGen C0025267, MeSH D018761, MONDO:0007540, OMIM 131100.

Submission:

Labcorp Genetics (formerly Invitae), Labcorp
Classification: Pathogenic for Multiple endocrine neoplasia, type 1. Last evaluated: 2020-10-15. Review status: criteria provided, single submitter. Criteria: Invitae Variant Classification Sherloc (09022015). Collection method: clinical testing. Allele origin: germline.
Comment: This sequence change creates a premature translational stop signal (p.Leu3Alafs*114) in the MEN1 gene. It is expected to result in an absent or disrupted protein product. This variant is not present in population databases (ExAC no frequency). This variant has not been reported in the literature in individuals with MEN1-related conditions. Loss-of-function variants in MEN1 are known to be pathogenic (PMID: 12112656, 17853334). For these reasons, this variant has been classified as Pathogenic.

Literature cited by the submitters: PubMed 12112656; PubMed 17853334.

NM_001370259.2(MEN1):c.6dup (p.Leu3fs)

Gene: MEN1 (menin 1; minus strand). Cytogenetic location: 11q13.1.
Variant type: Duplication.
Coding change: c.6dup on transcript NM_001370259.2 (MANE Select); coding-DNA position 6, one base duplicated (G; older notation c.6dupG).
Protein change: p.Leu3fs; shifts the reading frame from leucine 3.
Molecular consequence: frameshift variant, initiator codon variant.
Genome position (GRCh38, 1-based): chr11:64,810,104, C duplicated on the plus strand (G on the coding strand, the reverse complement: MEN1 is on the minus strand); the first of 4 consecutive C bases (chr11:64,810,104-64,810,107); duplicating any one gives the same sequence. VCF-style (leftmost placement, unchanged base first): chr11-64810103-G-GC. GRCh37 (hg19) VCF-style: chr11-64577575-G-GC.
Other names: c.6dup, p.Leu3fs (NM_000244.4, NM_001370251.2, NM_001370260.2 and 9 more transcripts); short protein forms L3fs.
Identifiers: ClinVar variation 1070942 (VCV001070942.8), dbSNP rs2136197117, ClinGen allele CA2499221173.